The following is an entry in ClinVar:

ClinVar aggregate classification (germline): Uncertain significance (1 of 4 stars; one submission).

Conditions:
Nemaline myopathy 2 (NEM2). Also called: Nemaline myopathy 2, autosomal recessive. Identifiers: MedGen C1850569, MONDO:0009725, OMIM 256030.

Submission:

Labcorp Genetics (formerly Invitae), Labcorp
Classification: Uncertain significance for Nemaline myopathy 2. Last evaluated: 2020-10-20. Review status: criteria provided, single submitter. Criteria: Invitae Variant Classification Sherloc (09022015). Collection method: clinical testing. Allele origin: germline.
Comment: In summary, the available evidence is currently insufficient to determine the role of this variant in disease. Therefore, it has been classified as a Variant of Uncertain Significance. Algorithms developed to predict the effect of missense changes on protein structure and function are either unavailable or do not agree on the potential impact of this missense change (SIFT: "Deleterious"; PolyPhen-2: "Not Available"; Align-GVGD: "Class C0"). This variant has not been reported in the literature in individuals with NEB-related conditions. This variant is not present in population databases (ExAC no frequency). This sequence change replaces glutamic acid with glycine at codon 4014 of the NEB protein (p.Glu4014Gly). The glutamic acid residue is moderately conserved and there is a moderate physicochemical difference between glutamic acid and glycine.

NM_001164508.2(NEB):c.12041A>G (p.Glu4014Gly)

Gene: NEB (nebulin; minus strand). Cytogenetic location: 2q23.3.
Variant type: single nucleotide variant.
Coding change: c.12041A>G on transcript NM_001164508.2 (MANE Select); coding-DNA position 12041, A replaced by G.
Protein change: p.Glu4014Gly; replaces glutamic acid 4014 with glycine.
Molecular consequence: missense variant.
Genome position (GRCh38, 1-based): chr2:151,610,098, T>C on the plus strand (A>G on the coding strand, the complement: NEB is on the minus strand). VCF-style: chr2-151610098-T-C. GRCh37 (hg19) VCF-style: chr2-152466612-T-C.
Other names: c.12041A>G, p.Glu4014Gly (NM_001164507.2, NM_001271208.2); c.11312A>G, p.Glu3771Gly (NM_004543.5); short protein forms E3771G, E4014G.
Identifiers: ClinVar variation 1062136 (VCV001062136.9), dbSNP rs2153972362, ClinGen allele CA348777921.